The following is an entry in ClinVar:

NM_022436.3(ABCG5):c.613G>A (p.Ala205Thr)

Genes: ABCG5 (ATP binding cassette subfamily G member 5; minus strand), DYNC2LI1 (dynein cytoplasmic 2 light intermediate chain 1; plus strand). Cytogenetic location: 2p21.
Variant type: single nucleotide variant.
Coding change: c.613G>A on transcript NM_022436.3 (MANE Select); coding-DNA position 613, G replaced by A.
Protein change: p.Ala205Thr; replaces alanine 205 with threonine.
Molecular consequence: missense variant. On other transcripts: 3 prime UTR variant (2).
Genome position (GRCh38, 1-based): chr2:43,828,004, C>T on the plus strand (G>A on the coding strand, the complement: ABCG5 is on the minus strand). VCF-style: chr2-43828004-C-T. GRCh37 (hg19) VCF-style: chr2-44055143-C-T.
Other names: c.*634C>T (NM_001348912.2, NM_001348913.2); short protein forms A205T.
Identifiers: ClinVar variation 1751829 (VCV001751829.2), dbSNP rs1667724017, ClinGen allele CA346667398.

ClinVar aggregate classification (germline): Uncertain significance (1 of 4 stars; one submission).

Conditions:
Cardiovascular phenotype. Identifiers: MedGen CN230736.

Allele frequency attached by ClinVar (database versions not stated): TOPMed 0.00001.

Submission:

Ambry Genetics
Classification: Uncertain significance for Cardiovascular phenotype. Last evaluated: 2021-07-08. Review status: criteria provided, single submitter. Criteria: Ambry Variant Classification Scheme 2023. Collection method: clinical testing. Allele origin: germline.
Comment: The p.A205T variant (also known as c.613G>A), located in coding exon 5 of the ABCG5 gene, results from a G to A substitution at nucleotide position 613. The alanine at codon 205 is replaced by threonine, an amino acid with similar properties. This amino acid position is conserved. In addition, this alteration is predicted to be tolerated by in silico analysis. Since supporting evidence is limited at this time, the clinical significance of this alteration remains unclear.